The following is an entry in ClinVar:

NM_182943.3(PLOD2):c.1744-67A>T

Gene: PLOD2 (procollagen-lysine,2-oxoglutarate 5-dioxygenase 2; minus strand). Cytogenetic location: 3q24.
Variant type: single nucleotide variant.
Coding change: c.1744-67A>T on transcript NM_182943.3 (MANE Select); 67 bases into the intron before coding-DNA position 1744, A replaced by T.
Molecular consequence: intron variant.
Genome position (GRCh38, 1-based): chr3:146,072,732, T>A on the plus strand (A>T on the coding strand, the complement: PLOD2 is on the minus strand). VCF-style: chr3-146072732-T-A. GRCh37 (hg19) VCF-style: chr3-145790519-T-A.
Other names: c.1681-67A>T (NM_000935.3).
Identifiers: ClinVar variation 675089 (VCV000675089.2), dbSNP rs3762694, ClinGen allele CA11559248.

ClinVar aggregate classification (germline): Benign. Review status: criteria provided, multiple submitters, no conflicts (2 of 4 stars). 2 submissions from 2 submitters: Benign (2). Last evaluated 2018-06-14.

Allele frequency attached by ClinVar (database versions not stated): 1000 Genomes Project 30x 0.16458; 1000 Genomes Project 0.17133; TOPMed 0.17351; gnomAD 0.18070 and 0.18355; gnomAD exomes 0.22414.
gnomAD v4.1: 202,911 of 936,640 alleles (22%); highest among the groups gnomAD compares: South Asian, 26%; 23,454 homozygotes.

Submissions (2):

GeneDx
Classification: Benign. Last evaluated: 2018-06-14. Review status: criteria provided, single submitter. Criteria: GeneDx Variant Classification (06012015). Collection method: clinical testing. Allele origin: germline. Affected: yes.
Comment: This variant is considered likely benign or benign based on one or more of the following criteria: it is a conservative change, it occurs at a poorly conserved position in the protein, it is predicted to be benign by multiple in silico algorithms, and/or has population frequency not consistent with disease.

Breakthrough Genomics
Classification: Benign. Review status: criteria provided, single submitter. Criteria: ACMG Guidelines, 2015. Collection method: not provided. Allele origin: germline. Inheritance: Autosomal recessive inheritance. Affected: yes.